The following is an entry in ClinVar:

ClinVar aggregate classification (germline): Pathogenic (1 of 4 stars; one submission).

Conditions:
X-linked agammaglobulinemia with growth hormone deficiency (IGHD3). Also called: AGAMMAGLOBULINEMIA AND ISOLATED GROWTH HORMONE DEFICIENCY, X-LINKED; FLEISHER SYNDROME; HYPOGAMMAGLOBULINEMIA AND ISOLATED GROWTH HORMONE DEFICIENCY, X-LINKED; IGHD III; Isolated growth hormone deficiency type 3; Growth hormone deficiency with hypogammaglobulinemia. Identifiers: Orphanet 231692, Orphanet 631, MedGen C0472813, MONDO:0010615, OMIM 307200.

Submission:

Labcorp Genetics (formerly Invitae), Labcorp
Classification: Pathogenic for X-linked agammaglobulinemia with growth hormone deficiency. Last evaluated: 2023-06-24. Review status: criteria provided, single submitter. Criteria: Invitae Variant Classification Sherloc (09022015). Collection method: clinical testing. Allele origin: unknown.
Comment: For these reasons, this variant has been classified as Pathogenic. This variant disrupts a region of the BTK protein in which other variant(s) (p.Arg520Gln) have been determined to be pathogenic (PMID: 7849721, 7880320, 11472359, 12217331, 12655572, 15661032, 18677443, 27980540). This suggests that this is a clinically significant region of the protein, and that variants that disrupt it are likely to be disease-causing. This variant has not been reported in the literature in individuals affected with BTK-related conditions. This variant is a gross deletion of the genomic region encompassing exon(s) 8-15 of the BTK gene. This variant would be expected to be in-frame, preserving the integrity of the reading frame.

Literature cited by the submitters: PubMed 7849721; PubMed 7880320; PubMed 11472359; PubMed 12217331; PubMed 12655572; PubMed 15661032; PubMed 18677443; PubMed 27980540.

NC_000023.10:g.(?_100611020)_(100615763_?)del

Gene: BTK (Bruton tyrosine kinase; minus strand). Cytogenetic location: Xq22.1.
Variant type: Deletion.
Identifiers: ClinVar variation 3243987 (VCV003243987.1).